The following is an entry in ClinVar:

ClinVar aggregate classification (germline): Benign. Review status: criteria provided, single submitter (1 of 4 stars). 2 submissions from 1 submitter: Benign (2). Last evaluated 2018-01-13.

Conditions:
Isolated focal cortical dysplasia type II (FCORD2). Also called: CORTICAL DYSPLASIA OF TAYLOR; Focal cortical dysplasia type II. Identifiers: Orphanet 268994, MedGen C1846385, MONDO:0011818, OMIM 607341, HP:0032051.
Tuberous sclerosis 1 (TSC1). Identifiers: Orphanet 805, MedGen C1854465, MONDO:0008612, OMIM 191100.

Allele frequency attached by ClinVar (database versions not stated): 1000 Genomes Project 0.01797; 1000 Genomes Project 30x 0.01999; TOPMed 0.02209.

Submissions (2):

Illumina Laboratory Services, Illumina
Classification: Benign for Isolated focal cortical dysplasia type II. Last evaluated: 2018-01-13. Review status: criteria provided, single submitter. Criteria: ICSL Variant Classification Criteria 13 December 2019. Collection method: clinical testing. Allele origin: germline.
Comment: This variant was observed in the ICSL laboratory as part of a predisposition screen in an ostensibly healthy population. It had not been previously curated by ICSL or reported in the Human Gene Mutation Database (HGMD: prior to June 1st, 2018), and was therefore a candidate for classification through an automated scoring system. Utilizing variant allele frequency, disease prevalence and penetrance estimates, and inheritance mode, an automated score was calculated to assess if this variant is too frequent to cause the disease. Based on the score and internal cut-off values, a variant classified as benign is not then subjected to further curation. The score for this variant resulted in a classification of benign for this disease.

Illumina Laboratory Services, Illumina
Classification: Benign for Tuberous sclerosis 1. Last evaluated: 2018-01-13. Review status: criteria provided, single submitter. Criteria: ICSL Variant Classification Criteria 13 December 2019. Collection method: clinical testing. Allele origin: germline.
Comment: the same text as in the submission from Illumina Laboratory Services, Illumina above.

NM_000368.5(TSC1):c.*4763T>C

Gene: TSC1 (TSC complex subunit 1; minus strand). Cytogenetic location: 9q34.13.
Variant type: single nucleotide variant.
Coding change: c.*4763T>C on transcript NM_000368.5 (MANE Select); 4763 bases downstream of the stop codon, T replaced by C.
Molecular consequence: 3 prime UTR variant.
Genome position (GRCh38, 1-based): chr9:132,891,472, A>G on the plus strand (T>C on the coding strand, the complement: TSC1 is on the minus strand). VCF-style: chr9-132891472-A-G. GRCh37 (hg19) VCF-style: chr9-135766859-A-G.
Other names: c.*4763T>C (NM_001162426.2, NM_001162427.2, NM_001362177.2).
Identifiers: ClinVar variation 365386 (VCV000365386.5), dbSNP rs79470094, ClinGen allele CA10626646.
Genomic context (GRCh38, chr9:132,891,472, plus strand): 5'-AGAACATTCTAAGAAGGACAGCAAACTCTTTTGATTCCAATTCCCATTCACTAAGATTGT[A>G]CCATTTTATCCTGCAGTTCATATTTATGGCATCTGATGTGGATTGTTGACATGCTTTTAG-3'